The following is an entry in ClinVar:

ClinVar aggregate classification (germline): Pathogenic (1 of 4 stars; one submission).

Conditions:
Genitopatellar syndrome (GTPTS). Also called: Genitopatellar syndrome (GPS); ABSENT PATELLAE, SCROTAL HYPOPLASIA, RENAL ANOMALIES, FACIAL DYSMORPHISM, AND MENTAL RETARDATION. Identifiers: Orphanet 85201, MedGen C1853566, MONDO:0011640, OMIM 606170.

Submission:

Labcorp Genetics (formerly Invitae), Labcorp
Classification: Pathogenic for Genitopatellar syndrome. Last evaluated: 2019-01-03. Review status: criteria provided, single submitter. Criteria: Invitae Variant Classification Sherloc (09022015). Collection method: clinical testing. Allele origin: germline.
Comment: This sequence change results in a premature translational stop signal in the KAT6B gene (p.Tyr1834*). While this is not anticipated to result in nonsense mediated decay, it is expected to disrupt the last 240 amino acids of the KAT6B protein. This variant is not present in population databases (ExAC no frequency). This variant has been observed to be de novo in twin brothers affected with Say-Barber-Biesecker-Young-Simpson syndrome (Invitae). This variant disrupts the C-terminus of the KAT6B protein. Other variant(s) that disrupt this region (p.Gln1911*, p.Arg1912*) have been observed in individuals with KAT6B-related conditions (PMID: 22077973, 25424711, Invitae). This suggests that this may be a clinically significant region of the protein. For these reasons, this variant has been classified as Pathogenic.

Literature cited by the submitters: PubMed 25424711; PubMed 22077973.

NM_012330.4(KAT6B):c.5502del (p.Pro1833_Tyr1834insTer)

Gene: KAT6B (lysine acetyltransferase 6B; plus strand). Cytogenetic location: 10q22.2.
Variant type: Deletion.
Coding change: c.5502del on transcript NM_012330.4 (MANE Select); coding-DNA position 5502, one base deleted (C; older notation c.5502delC).
Protein change: p.Pro1833_Tyr1834insTer.
Molecular consequence: nonsense.
Genome position (GRCh38, 1-based): chr10:75,030,326, C deleted. VCF-style (leftmost placement, unchanged base first): chr10-75030325-AC-A. GRCh37 (hg19) VCF-style: chr10-76790083-AC-A.
Other names: c.4953del, p.Pro1650_Tyr1651insTer (NM_001256468.2, NM_001370138.1); c.4626del, p.Pro1541_Tyr1542insTer (NM_001256469.2, NM_001370139.1, NM_001370140.1 and 2 more transcripts); c.4464del, p.Pro1487_Tyr1488insTer (NM_001370132.1); c.3813del, p.Pro1270_Tyr1271insTer (NM_001370133.1); c.3417del, p.Pro1138_Tyr1139insTer (NM_001370134.1); c.3159del, p.Pro1052_Tyr1053insTer (NM_001370135.1); c.5502del, p.Pro1833_Tyr1834insTer (NM_001370136.1, NM_001370137.1); c.4437del, p.Pro1478_Tyr1479insTer (NM_001370143.1, NM_001370144.1).
Identifiers: ClinVar variation 647581 (VCV000647581.2), dbSNP rs1589846743, ClinGen allele CA915945979.
Genomic context (GRCh38, chr10:75,030,325, plus strand): 5'-CCTTCAGCCTTGCCAAACTGCAGCAGTTAACTAATACACTTATTGATCATTCATTGCCTT[AC>A]AGCCATTCCGCTGCTGTGACTTCCTATGCAAACAGTGCCTCTTTGTCCACACCATTAAGT-3'